The following is an entry in ClinVar:

NM_139076.3(ABRAXAS1):c.1201G>A (p.Gly401Ser)

Gene: ABRAXAS1 (abraxas 1, BRCA1 A complex subunit; minus strand). Cytogenetic location: 4q21.23.
Variant type: single nucleotide variant.
Coding change: c.1201G>A on transcript NM_139076.3 (MANE Select); coding-DNA position 1201, G replaced by A.
Protein change: p.Gly401Ser; replaces glycine 401 with serine.
Molecular consequence: missense variant.
Genome position (GRCh38, 1-based): chr4:83,462,498, C>T on the plus strand (G>A on the coding strand, the complement: ABRAXAS1 is on the minus strand). VCF-style: chr4-83462498-C-T. GRCh37 (hg19) VCF-style: chr4-84383651-C-T.
Other names: c.874G>A, p.Gly292Ser (NM_001345962.2); short protein forms G292S, G401S.
Identifiers: ClinVar variation 1800353 (VCV001800353.2), dbSNP rs941211611, ClinGen allele CA357254899.

ClinVar aggregate classification (germline): Uncertain significance (1 of 4 stars; one submission).

Submission:

Ambry Genetics
Classification: Uncertain significance. Last evaluated: 2022-05-01. Review status: criteria provided, single submitter. Criteria: Ambry Variant Classification Scheme 2023. Collection method: clinical testing. Allele origin: germline.
Comment: The p.G401S variant (also known as c.1201G>A), located in coding exon 9 of the FAM175A gene, results from a G to A substitution at nucleotide position 1201. The glycine at codon 401 is replaced by serine, an amino acid with similar properties. This amino acid position is conserved. In addition, this alteration is predicted to be tolerated by in silico analysis. Since supporting evidence is limited at this time, the clinical significance of this alteration remains unclear.